The following is an entry in ClinVar:

ClinVar aggregate classification (germline): Pathogenic (1 of 4 stars; one submission).

Conditions:
Hereditary cancer-predisposing syndrome. Also called: Tumor predisposition; Hereditary Cancer Syndrome; Hereditary neoplastic syndrome; Neoplastic Syndromes, Hereditary. Identifiers: Orphanet 140162, MedGen C0027672, MeSH D009386, MONDO:0015356.

Submission:

Ambry Genetics
Classification: Pathogenic for Hereditary cancer-predisposing syndrome. Last evaluated: 2025-10-02. Review status: criteria provided, single submitter. Criteria: Ambry Variant Classification Scheme 2023. Collection method: clinical testing. Allele origin: germline.
Comment: The c.270delG pathogenic mutation, located in coding exon 2 of the TMEM127 gene, results from a deletion of one nucleotide at nucleotide position 270, causing a translational frameshift with a predicted alternate stop codon (p.L91Cfs*33). This alteration occurs at the 3' terminus of the gene, is not expected to trigger nonsense-mediated mRNA decay, and impacts the last 62% of the protein. However, premature stop codons are typically deleterious in nature, the impacted region is critical for protein function and a significant portion of the protein is affected (Ambry internal data). This variant is considered to be rare based on population cohorts in the Genome Aggregation Database (gnomAD). Based on the supporting evidence, this variant is interpreted as a disease-causing mutation.

NM_017849.4(TMEM127):c.270del (p.Leu91fs)

Gene: TMEM127 (transmembrane protein 127; minus strand). Cytogenetic location: 2q11.2.
Variant type: Deletion.
Coding change: c.270del on transcript NM_017849.4 (MANE Select); coding-DNA position 270, one base deleted (G; older notation c.270delG).
Protein change: p.Leu91fs; shifts the reading frame from leucine 91.
Molecular consequence: frameshift variant.
Genome position (GRCh38, 1-based): chr2:96,254,972, C deleted on the plus strand (G on the coding strand, the reverse complement: TMEM127 is on the minus strand). VCF-style (leftmost placement, unchanged base first): chr2-96254971-GC-G. GRCh37 (hg19) VCF-style: chr2-96920709-GC-G.
Other names: c.270del, p.Leu91fs (NM_001193304.3); c.18del, p.Leu7fs (NM_001407282.1, NM_001407283.1); short protein forms L7fs, L91fs.
Identifiers: ClinVar variation 4552100 (VCV004552100.1).